The following is an entry in ClinVar:

ClinVar aggregate classification (germline): Uncertain significance (1 of 4 stars; one submission).

Allele frequency attached by ClinVar (database versions not stated): ExAC 0.00001; gnomAD exomes 0.00001; TOPMed 0.00003; gnomAD 0.00004.
gnomAD v4.1: 24 of 1,531,950 alleles (0.0016%); highest among the groups gnomAD compares: East Asian, 0.0068%; no homozygotes.

Submission:

Labcorp Genetics (formerly Invitae), Labcorp
Classification: Uncertain significance. Last evaluated: 2024-06-22. Review status: criteria provided, single submitter. Criteria: Invitae Variant Classification Sherloc (09022015). Collection method: clinical testing. Allele origin: germline.
Comment: This sequence change replaces arginine, which is basic and polar, with glutamine, which is neutral and polar, at codon 1071 of the RNF31 protein (p.Arg1071Gln). The frequency data for this variant in the population databases is considered unreliable, as metrics indicate poor data quality at this position in the gnomAD database. This variant has not been reported in the literature in individuals affected with RNF31-related conditions. ClinVar contains an entry for this variant (Variation ID: 1947686). An algorithm developed to predict the effect of missense changes on protein structure and function (PolyPhen-2) suggests that this variant is likely to be tolerated. In summary, the available evidence is currently insufficient to determine the role of this variant in disease. Therefore, it has been classified as a Variant of Uncertain Significance.

NM_017999.5(RNF31):c.3212G>A (p.Arg1071Gln)

Gene: RNF31 (ring finger protein 31; plus strand). Cytogenetic location: 14q12.
Variant type: single nucleotide variant.
Coding change: c.3212G>A on transcript NM_017999.5 (MANE Select); coding-DNA position 3212, G replaced by A.
Protein change: p.Arg1071Gln; replaces arginine 1071 with glutamine.
Molecular consequence: missense variant.
Genome position (GRCh38, 1-based): chr14:24,160,566, G>A. VCF-style: chr14-24160566-G-A. GRCh37 (hg19) VCF-style: chr14-24629775-G-A.
Other names: c.2759G>A, p.Arg920Gln (NM_001310332.2); short protein forms R1071Q, R920Q.
Identifiers: ClinVar variation 1947686 (VCV001947686.5), dbSNP rs768611027, ClinGen allele CA7126309.